The following is an entry in ClinVar:

ClinVar aggregate classification (germline): Benign (0 of 4 stars; one submission).

Conditions:
ITIH6-related disorder. Also called: ITIH6-related condition.

Allele frequency attached by ClinVar (database versions not stated): 1000 Genomes Project 30x 0.03371; 1000 Genomes Project 0.03470; TOPMed 0.05885; gnomAD 0.06373; ESP Exome Variant Server 0.06504.
gnomAD v4.1: 97,834 of 1,203,631 alleles (8.1%); highest among the groups gnomAD compares: Non-Finnish European, 9.4%; 3,162 homozygotes.

Submission:

PreventionGenetics, part of Exact Sciences
Classification: Benign for ITIH6-related condition. Last evaluated: 2020-02-18. Review status: no assertion criteria provided. Collection method: clinical testing. Allele origin: germline.
Comment: This variant is classified as benign based on ACMG/AMP sequence variant interpretation guidelines (Richards et al. 2015 PMID: 25741868, with internal and published modifications).

NM_198510.3(ITIH6):c.3122G>C (p.Trp1041Ser)

Gene: ITIH6 (inter-alpha-trypsin inhibitor heavy chain family member 6; minus strand). Cytogenetic location: Xp11.22.
Variant type: single nucleotide variant.
Coding change: c.3122G>C on transcript NM_198510.3 (MANE Select); coding-DNA position 3122, G replaced by C.
Protein change: p.Trp1041Ser; replaces tryptophan 1041 with serine.
Molecular consequence: missense variant.
Genome position (GRCh38, 1-based): chrX:54,755,097, C>G on the plus strand (G>C on the coding strand, the complement: ITIH6 is on the minus strand). VCF-style: chrX-54755097-C-G. GRCh37 (hg19) VCF-style: chrX-54781530-C-G.
Other names: short protein forms W1041S.
Identifiers: ClinVar variation 3056022 (VCV003056022.2), dbSNP rs17316491, ClinGen allele CA10425983.